The following is an entry in ClinVar:

ClinVar aggregate classification (germline): Conflicting classifications of pathogenicity. Review status: criteria provided, conflicting classifications (1 of 4 stars). 2 submissions from 2 submitters: Uncertain significance (1); Likely benign (1). Last evaluated 2026-08-03.

Conditions:
Neurofibromatosis, type 1 (NF1). Also called: VON RECKLINGHAUSEN DISEASE; Peripheral type neurofibromatosis; NEUROFIBROMATOSIS, TYPE I, SOMATIC; Neurofibromatosis, type I. Identifiers: Orphanet 636, MedGen C0027831, MONDO:0018975, OMIM 162200. Disease mechanism: loss of function.
Hereditary cancer-predisposing syndrome. Also called: Hereditary Cancer Syndrome; Hereditary neoplastic syndrome; Neoplastic Syndromes, Hereditary; Tumor predisposition. Identifiers: Orphanet 140162, MedGen C0027672, MeSH D009386, MONDO:0015356.
Cardiovascular phenotype. Identifiers: MedGen CN230736.

Submissions (2):

Ambry Genetics
Classification: Likely benign for Cardiovascular phenotype; Hereditary cancer-predisposing syndrome. Last evaluated: 2026-08-03. Review status: criteria provided, single submitter. Criteria: Ambry Variant Classification Scheme 2023. Collection method: clinical testing. Allele origin: germline.

Labcorp Genetics (formerly Invitae), Labcorp
Classification: Uncertain significance for Neurofibromatosis, type 1. Last evaluated: 2025-11-22. Review status: criteria provided, single submitter. Criteria: Invitae Variant Classification Sherloc (09022015). Collection method: clinical testing. Allele origin: germline.
Comment: This sequence change replaces proline, which is neutral and non-polar, with arginine, which is basic and polar, at codon 2570 of the NF1 protein (p.Pro2570Arg). This variant is not present in population databases (gnomAD no frequency). This variant has not been reported in the literature in individuals affected with NF1-related conditions. ClinVar contains an entry for this variant (Variation ID: 2452329). Invitae Evidence Modeling of protein sequence and biophysical properties (such as structural, functional, and spatial information, amino acid conservation, physicochemical variation, residue mobility, and thermodynamic stability) indicates that this missense variant is not expected to disrupt NF1 protein function with a negative predictive value of 95%. In summary, the available evidence is currently insufficient to determine the role of this variant in disease. Therefore, it has been classified as a Variant of Uncertain Significance.

NM_001042492.3(NF1):c.7772C>G (p.Pro2591Arg)

Gene: NF1 (neurofibromin 1; plus strand). Cytogenetic location: 17q11.2.
Variant type: single nucleotide variant.
Coding change: c.7772C>G on transcript NM_001042492.3 (MANE Select); coding-DNA position 7772, C replaced by G.
Protein change: p.Pro2591Arg; replaces proline 2591 with arginine.
Molecular consequence: missense variant.
Genome position (GRCh38, 1-based): chr17:31,356,993, C>G. VCF-style: chr17-31356993-C-G. GRCh37 (hg19) VCF-style: chr17-29684011-C-G.
Other names: c.7709C>G, p.Pro2570Arg (NM_000267.4); short protein forms P2570R, P2591R.
Identifiers: ClinVar variation 2452329 (VCV002452329.4), dbSNP rs2151582263, ClinGen allele CA399018418.